The following is an entry in ClinVar:

ClinVar aggregate classification (germline): other (0 of 4 stars; one submission).

Conditions:
Familial colorectal cancer. Identifiers: MedGen CN280943, MONDO:0023113. Disease mechanism: loss of function.

Submission:

Systems Biology Platform Zhejiang California International NanoSystems Institute
Classification: other for Familial colorectal cancer. Review status: no assertion criteria provided. Collection method: not provided. Allele origin: unknown.
ClinVar note: Converted during submission from cancer to other.

NM_000038.6(APC):c.-19+559T>G

Gene: APC (APC regulator of WNT signaling pathway; plus strand). Cytogenetic location: 5q22.2.
Variant type: single nucleotide variant.
Coding change: c.-19+559T>G on transcript NM_000038.6 (MANE Select); 559 bases into the intron after 19 bases upstream of the start codon, T replaced by G.
Molecular consequence: intron variant.
Genome position (GRCh38, 1-based): chr5:112,738,484, T>G. VCF-style: chr5-112738484-T-G. GRCh37 (hg19) VCF-style: chr5-112074181-T-G.
Other names: c.-18-16389T>G (NM_001354895.2); c.166-27842T>G (NM_001354897.2, NM_001354902.2, NM_001127511.3); c.-19+24T>G (NM_001127510.3); c.60+24T>G (NM_001354898.2, NM_001354904.2); c.-1054+559T>G (NM_001354906.2); c.-19+559T>G (NM_001354896.2, NM_001354903.2, NM_001354899.2); c.-43+559T>G (NM_001354900.2, NM_001354901.2, NM_001354905.2).
Identifiers: ClinVar variation 82740 (VCV000082740.2), dbSNP rs77120173, ClinGen allele CA006575.